The following is an entry in ClinVar:

NM_000277.3(PAH):c.13del (p.Val5fs)

Gene: PAH (phenylalanine hydroxylase; minus strand). Cytogenetic location: 12q23.2.
Variant type: Deletion.
Coding change: c.13del on transcript NM_000277.3 (MANE Select); coding-DNA position 13, one base deleted (G; older notation c.13delG).
Protein change: p.Val5fs; shifts the reading frame from valine 5.
Molecular consequence: frameshift variant.
Genome position (GRCh38, 1-based): chr12:102,917,118, C deleted on the plus strand (G on the coding strand, the reverse complement: PAH is on the minus strand); the first of 2 consecutive C bases (chr12:102,917,118-102,917,119); deleting either gives the same sequence. VCF-style (leftmost placement, unchanged base first): chr12-102917117-AC-A. GRCh37 (hg19) VCF-style: chr12-103310895-AC-A.
Other names: c.13del, p.Val5fs (NM_001354304.2); short protein forms V5fs.
Identifiers: ClinVar variation 805799 (VCV000805799.1), dbSNP rs1592991243, ClinGen allele CA16020714.

ClinVar aggregate classification (germline): Pathogenic (3 of 4 stars; one submission).

Conditions:
Phenylketonuria (PKU). Also called: FOLLING DISEASE; Phenylketonuria (PKU); OLIGOPHRENIA PHENYLPYRUVICA; Phenylketonurias. Identifiers: Orphanet 716, MedGen C0031485, MONDO:0009861, OMIM 261600. Disease mechanism: loss of function.

Submission:

ClinGen PAH Variant Curation Expert Panel
Classification: Pathogenic for Phenylketonuria. Last evaluated: 2019-02-26. Review status: reviewed by expert panel. Criteria: ClinGen PAH ACMG Specifications v1. Collection method: curation. Allele origin: germline. Inheritance: Autosomal recessive inheritance.
Comment: The PAH: c.13delG variant is a frameshift variant occurring in exon 1 of 13 in the canonical transcript of PAH, a gene fulfilling the most recent criteria for LOF being a known disease mechanism (see PMID: 30192042) (PVS1). It is absent from control databases including ethnically matched individuals, including gnomAD/ExAC, 1000 Genomes, and ESP (PM2).

Literature cited by the submitters: PubMed 26503515.